The following is an entry in ClinVar:

NM_014956.5(CEP164):c.1456C>T (p.Arg486Cys)

Gene: CEP164 (centrosomal protein 164; plus strand). Cytogenetic location: 11q23.3.
Variant type: single nucleotide variant.
Coding change: c.1456C>T on transcript NM_014956.5 (MANE Select); coding-DNA position 1456, C replaced by T.
Protein change: p.Arg486Cys; replaces arginine 486 with cysteine.
Molecular consequence: missense variant.
Genome position (GRCh38, 1-based): chr11:117,381,747, C>T. VCF-style: chr11-117381747-C-T. GRCh37 (hg19) VCF-style: chr11-117252463-C-T.
Other names: c.1465C>T, p.Arg489Cys (NM_001271933.2); short protein forms R486C, R489C.
Identifiers: ClinVar variation 3358051 (VCV003358051.2).
Genomic context (GRCh38, chr11:117,381,747, plus strand): 5'-CCCGGCCTGACCAGGTTATCTCCTCCACTTCCACACGAGGAGCGGGCCCAGAGTCCCCCT[C>T]GCAGCCTGGCCACTGAAGAAGAGCCTCCCCAGGGCCCCGAGGGGCAGCCCGAGTGGAAGG-3'
Protein context (NP_055771.4, residues 476-496): PHEERAQSPP[Arg486Cys]SLATEEEPPQ

ClinVar aggregate classification (germline): Uncertain significance. Review status: criteria provided, single submitter (1 of 4 stars). 2 submissions from 2 submitters: Uncertain significance (1). 1 of the submissions does not count toward it. Last evaluated 2025-05-20.

Conditions:
CEP164-related disorder. Also called: CEP164-related condition.
Inborn genetic diseases. Identifiers: MedGen C0950123, MeSH D030342.

gnomAD v4.1: 45 of 1,609,224 alleles (0.0028%); highest among the groups gnomAD compares: East Asian, 0.016%; no homozygotes.

Submissions (2):

Ambry Genetics
Classification: Uncertain significance for Inborn genetic diseases. Last evaluated: 2025-05-20. Review status: criteria provided, single submitter. Criteria: Ambry Variant Classification Scheme 2023. Collection method: clinical testing. Allele origin: germline.

PreventionGenetics, part of Exact Sciences
Classification: Uncertain significance for CEP164-related condition. Last evaluated: 2024-09-18. Review status: no assertion criteria provided. Collection method: clinical testing. Allele origin: germline. Not counted in ClinVar's aggregate classification.
Comment: The CEP164 c.1456C>T variant is predicted to result in the amino acid substitution p.Arg486Cys. To our knowledge, this variant has not been reported in the literature. This variant is reported in 0.0058% of alleles in individuals of Latino descent in gnomAD. At this time, the clinical significance of this variant is uncertain due to the absence of conclusive functional and genetic evidence.